The following is an entry in ClinVar:

ClinVar aggregate classification (germline): Uncertain significance (1 of 4 stars; one submission).

Conditions:
Neurofibromatosis, type 2 (SWNV). Also called: BILATERAL ACOUSTIC NEUROFIBROMATOSIS; NF2-Related Schwannomatosis; SCHWANNOMATOSIS, VESTIBULAR. Identifiers: Orphanet 637, MedGen C0027832, MONDO:0007039, OMIM 101000. Disease mechanism: loss of function.

Submission:

Labcorp Genetics (formerly Invitae), Labcorp
Classification: Uncertain significance for Neurofibromatosis, type 2. Last evaluated: 2022-07-12. Review status: criteria provided, single submitter. Criteria: Invitae Variant Classification Sherloc (09022015). Collection method: clinical testing. Allele origin: germline.
Comment: In summary, the available evidence is currently insufficient to determine the role of this variant in disease. Therefore, it has been classified as a Variant of Uncertain Significance. Algorithms developed to predict the effect of missense changes on protein structure and function are either unavailable or do not agree on the potential impact of this missense change (SIFT: "Deleterious"; PolyPhen-2: "Possibly Damaging"; Align-GVGD: "Class C0"). ClinVar contains an entry for this variant (Variation ID: 1409086). This variant has not been reported in the literature in individuals affected with NF2-related conditions. This variant is not present in population databases (gnomAD no frequency). This sequence change replaces lysine, which is basic and polar, with glutamic acid, which is acidic and polar, at codon 44 of the NF2 protein (p.Lys44Glu).

NM_000268.4(NF2):c.130A>G (p.Lys44Glu)

Gene: NF2 (NF2, moesin-ezrin-radixin like (MERLIN) tumor suppressor; plus strand). Cytogenetic location: 22q12.2.
Variant type: single nucleotide variant.
Coding change: c.130A>G on transcript NM_000268.4 (MANE Select); coding-DNA position 130, A replaced by G.
Protein change: p.Lys44Glu; replaces lysine 44 with glutamic acid.
Molecular consequence: missense variant. On other transcripts: non-coding transcript variant (1), intron variant (3).
Genome position (GRCh38, 1-based): chr22:29,636,766, A>G. VCF-style: chr22-29636766-A-G. GRCh37 (hg19) VCF-style: chr22-30032755-A-G.
Other names: c.130A>G, p.Lys44Glu (NM_016418.5, NM_181825.3, NM_181829.3 and 2 more transcripts); c.115-2324A>G (NM_181828.3); c.115-5436A>G (NM_181830.3, NM_181831.3); short protein forms K44E.
Identifiers: ClinVar variation 1409086 (VCV001409086.6), dbSNP rs2146851850, ClinGen allele CA411152444.